The following is an entry in ClinVar:

ClinVar aggregate classification (germline): Uncertain significance. Review status: criteria provided, multiple submitters, no conflicts (2 of 4 stars). 2 submissions from 2 submitters: Uncertain significance (2). Last evaluated 2022-10-26.

Conditions:
Marfan syndrome (MFS). Also called: FBN1-Related Marfan Syndrome; MARFAN SYNDROME, TYPE I; Marfan syndrome type 1; Marfan's syndrome; Marfan syndrome, classic. Identifiers: Orphanet 284963, Orphanet 558, MedGen C0024796, MONDO:0007947, OMIM 154700.
Familial thoracic aortic aneurysm and aortic dissection (TAAD). Also called: Thoracic aortic aneurysms and dissections. Identifiers: Orphanet 91387, MedGen C4707243, MONDO:0019625.

Allele frequency attached by ClinVar (database versions not stated): gnomAD 0.00001; gnomAD exomes 0.00001; TOPMed 0.00001.
gnomAD v4.1: 4 of 1,613,420 alleles (0.00025%); highest among the groups gnomAD compares: Non-Finnish European, 0.00034%; no homozygotes.

Submissions (2):

Labcorp Genetics (formerly Invitae), Labcorp
Classification: Uncertain significance for Marfan syndrome; Familial thoracic aortic aneurysm and aortic dissection. Last evaluated: 2022-10-26. Review status: criteria provided, single submitter. Criteria: Invitae Variant Classification Sherloc (09022015). Collection method: clinical testing. Allele origin: germline.
Comment: In summary, the available evidence is currently insufficient to determine the role of this variant in disease. Therefore, it has been classified as a Variant of Uncertain Significance. Algorithms developed to predict the effect of missense changes on protein structure and function are either unavailable or do not agree on the potential impact of this missense change (SIFT: "Deleterious"; PolyPhen-2: "Benign"; Align-GVGD: "Class C0"). ClinVar contains an entry for this variant (Variation ID: 1017965). This variant has not been reported in the literature in individuals affected with FBN1-related conditions. This variant is not present in population databases (gnomAD no frequency). This sequence change replaces aspartic acid, which is acidic and polar, with asparagine, which is neutral and polar, at codon 384 of the FBN1 protein (p.Asp384Asn).

GeneDx
Classification: Uncertain significance. Last evaluated: 2021-04-27. Review status: criteria provided, single submitter. Criteria: GeneDx Variant Classification Process June 2021. Collection method: clinical testing. Allele origin: germline. Affected: yes.
Comment: Has not been previously published as pathogenic or benign to our knowledge; Reported in ClinVar as a variant of uncertain significance (ClinVar Variant ID# 1017965; Landrum et al., 2016); Not observed in large population cohorts (Lek et al., 2016); In silico analysis supports that this missense variant does not alter protein structure/function; Does not affect a cysteine residue within a calcium-binding EGF-like domain of the FBN1 gene; cysteine substitutions in the calcium-binding EGF-like domains represent the majority of pathogenic missense changes associated with FBN1-related disorders (Collod-Beroud et al., 2003).

NM_000138.5(FBN1):c.1150G>A (p.Asp384Asn)

Gene: FBN1 (fibrillin 1; minus strand). Cytogenetic location: 15q21.1.
Variant type: single nucleotide variant.
Coding change: c.1150G>A on transcript NM_000138.5 (MANE Select); coding-DNA position 1150, G replaced by A.
Protein change: p.Asp384Asn; replaces aspartic acid 384 with asparagine.
Molecular consequence: missense variant.
Genome position (GRCh38, 1-based): chr15:48,516,360, C>T on the plus strand (G>A on the coding strand, the complement: FBN1 is on the minus strand). VCF-style: chr15-48516360-C-T. GRCh37 (hg19) VCF-style: chr15-48808557-C-T.
Other names: short protein forms D384N.
Identifiers: ClinVar variation 1017965 (VCV001017965.10), dbSNP rs1405173549, ClinGen allele CA392345741.